The following is an entry in ClinVar:

ClinVar aggregate classification (germline): Uncertain significance. Review status: criteria provided, multiple submitters, no conflicts (2 of 4 stars). 2 submissions from 2 submitters: Uncertain significance (2). Last evaluated 2025-05-27.

Submissions (2):

GeneDx
Classification: Uncertain significance. Last evaluated: 2025-05-27. Review status: criteria provided, single submitter. Criteria: GeneDx Variant Classification Process June 2021. Collection method: clinical testing. Allele origin: germline. Affected: yes.
Comment: Not observed at significant frequency in large population cohorts (gnomAD); In silico analysis supports that this missense variant has a deleterious effect on protein structure/function; Has not been previously published as pathogenic or benign to our knowledge; Not located in the triple helical region, where the majority of pathogenic missense variants occur (HGMD)

Labcorp Genetics (formerly Invitae), Labcorp
Classification: Uncertain significance. Last evaluated: 2023-07-09. Review status: criteria provided, single submitter. Criteria: Invitae Variant Classification Sherloc (09022015). Collection method: clinical testing. Allele origin: germline.
Comment: This variant has not been reported in the literature in individuals affected with COL2A1-related conditions. In summary, the available evidence is currently insufficient to determine the role of this variant in disease. Therefore, it has been classified as a Variant of Uncertain Significance. Advanced modeling of protein sequence and biophysical properties (such as structural, functional, and spatial information, amino acid conservation, physicochemical variation, residue mobility, and thermodynamic stability) performed at Invitae indicates that this missense variant is not expected to disrupt COL2A1 protein function. This variant is not present in population databases (gnomAD no frequency). This sequence change replaces methionine, which is neutral and non-polar, with threonine, which is neutral and polar, at codon 1375 of the COL2A1 protein (p.Met1375Thr).

NM_001844.5(COL2A1):c.4124T>C (p.Met1375Thr)

Gene: COL2A1 (collagen type II alpha 1 chain; minus strand). Cytogenetic location: 12q13.11.
Variant type: single nucleotide variant.
Coding change: c.4124T>C on transcript NM_001844.5 (MANE Select); coding-DNA position 4124, T replaced by C.
Protein change: p.Met1375Thr; replaces methionine 1375 with threonine.
Molecular consequence: missense variant.
Genome position (GRCh38, 1-based): chr12:47,974,282, A>G on the plus strand (T>C on the coding strand, the complement: COL2A1 is on the minus strand). VCF-style: chr12-47974282-A-G. GRCh37 (hg19) VCF-style: chr12-48368065-A-G.
Other names: c.4124T>C (NM_001844.4); c.3917T>C, p.Met1306Thr (NM_033150.3); short protein forms M1375T, M1306T.
Identifiers: ClinVar variation 3006656 (VCV003006656.4), dbSNP rs2136506051, ClinGen allele CA384533808.